The following is an entry in ClinVar:

ClinVar aggregate classification (germline): Uncertain significance. Review status: criteria provided, multiple submitters, no conflicts (2 of 4 stars). 2 submissions from 2 submitters: Uncertain significance (2). Last evaluated 2024-12-03.

Conditions:
Familial steroid-resistant nephrotic syndrome with sensorineural deafness. Identifiers: Orphanet 280406, MedGen C3553349, MONDO:0013836, OMIM 614650.

gnomAD v4.1: 8 of 1,613,980 alleles (0.0005%); highest among the groups gnomAD compares: Admixed American, 0.01%; no homozygotes.

Submissions (2):

GeneDx
Classification: Uncertain significance. Last evaluated: 2024-12-03. Review status: criteria provided, single submitter. Criteria: GeneDx Variant Classification Process June 2021. Collection method: clinical testing. Allele origin: germline.
Comment: Not observed at significant frequency in large population cohorts (gnomAD); In silico analysis supports that this missense variant does not alter protein structure/function; In silico analysis suggests this variant may impact gene splicing. In the absence of RNA/functional studies, the actual effect of this sequence change is unknown.; Has not been previously published as pathogenic or benign to our knowledge

Fulgent Genetics
Classification: Uncertain significance for Familial steroid-resistant nephrotic syndrome with sensorineural deafness. Last evaluated: 2024-03-12. Review status: criteria provided, single submitter. Criteria: ACMG Guidelines, 2015. Collection method: clinical testing. Allele origin: germline.

NM_182476.3(COQ6):c.944A>G (p.Gln315Arg)

Genes: COQ6 (coenzyme Q6, monooxygenase; plus strand), ENTPD5 (ectonucleoside triphosphate diphosphohydrolase 5; minus strand). Cytogenetic location: 14q24.3.
Variant type: single nucleotide variant.
Coding change: c.944A>G on transcript NM_182476.3 (MANE Select); coding-DNA position 944, A replaced by G.
Protein change: p.Gln315Arg; replaces glutamine 315 with arginine.
Molecular consequence: missense variant. On other transcripts: 3 prime UTR variant (1), intron variant (5).
Genome position (GRCh38, 1-based): chr14:73,961,225, A>G. VCF-style: chr14-73961225-A-G. GRCh37 (hg19) VCF-style: chr14-74427928-A-G.
Other names: c.869A>G, p.Gln290Arg (NM_182480.3); c.*308T>C (NM_001321984.2); c.1201-5638T>C (NM_001382258.1); c.1201-5397T>C (NM_001382262.1); c.1201-1672T>C (NM_001382260.1, NM_001382259.1, NM_001330189.2); c.761A>G, p.Gln254Arg (NM_001425258.1); c.719A>G, p.Gln240Arg (NM_001425259.1, NM_001425260.1, NM_001425261.1); c.689A>G, p.Gln230Arg (NM_001425262.1); and 5 more; short protein forms Q135R, Q206R, Q230R, Q240R, Q254R, Q260R, Q279R, Q290R.
Identifiers: ClinVar variation 3368685 (VCV003368685.3).